The following is an entry in ClinVar:

NM_172107.4(KCNQ2):c.1501G>C (p.Ala501Pro)

Gene: KCNQ2 (potassium voltage-gated channel subfamily Q member 2; minus strand). Cytogenetic location: 20q13.33.
Variant type: single nucleotide variant.
Coding change: c.1501G>C on transcript NM_172107.4 (MANE Select); coding-DNA position 1501, G replaced by C.
Protein change: p.Ala501Pro; replaces alanine 501 with proline.
Molecular consequence: missense variant.
Genome position (GRCh38, 1-based): chr20:63,414,927, C>G on the plus strand (G>C on the coding strand, the complement: KCNQ2 is on the minus strand). VCF-style: chr20-63414927-C-G. GRCh37 (hg19) VCF-style: chr20-62046280-C-G.
Other names: c.1417G>C, p.Ala473Pro (NM_004518.6); c.1447G>C, p.Ala483Pro (NM_172106.3); c.1411G>C, p.Ala471Pro (NM_172108.5); short protein forms A501P, A471P, A473P, A483P.
Identifiers: ClinVar variation 369797 (VCV000369797.2), dbSNP rs1057516118, ClinGen allele CA10654788.

ClinVar aggregate classification (germline): not provided (0 of 4 stars; one submission).

Conditions:
Developmental and epileptic encephalopathy, 7 (DEE7). Also called: KCNQ2-Related Neonatal Epileptic Encephalopathy; Early infantile epileptic encephalopathy 7; KCNQ2-Related Neonatal-Onset Developmental and Epileptic Encephalopathy (NEO-DEE). Identifiers: Orphanet 439218, MedGen C3150986, MONDO:0013387, OMIM 613720.

Submission:

GeneReviews
No classification provided. Condition: Developmental and epileptic encephalopathy, 7. Review status: no classification provided. Collection method: literature only. Allele origin: germline. Affected: yes.
Comment: EE (epileptic encephalopathy)

Literature cited by the submitters: PubMed 25959266; NCBI Bookshelf NBK32534.